The following is an entry in ClinVar:

NM_000179.3(MSH6):c.3802-18A>C

Gene: MSH6 (mutS homolog 6; plus strand). Cytogenetic location: 2p16.3.
Variant type: single nucleotide variant.
Coding change: c.3802-18A>C on transcript NM_000179.3 (MANE Select); 18 bases into the intron before coding-DNA position 3802, A replaced by C.
Molecular consequence: intron variant.
Genome position (GRCh38, 1-based): chr2:47,806,434, A>C. VCF-style: chr2-47806434-A-C. GRCh37 (hg19) VCF-style: chr2-48033573-A-C.
Other names: c.3802-18A>C (NM_001406809.1, NM_001406796.1, NM_001406808.1); c.2896-18A>C (NM_001406811.1, NM_001406814.1, NM_001281493.2 and 6 more transcripts); c.3505-18A>C (NM_001406805.1, NM_001406797.1, NM_001406801.1 and 10 more transcripts); c.3898-18A>C (NM_001406795.1); c.3897+76A>C (NM_001406802.1); c.3808-18A>C (NM_001406813.1); c.3277-18A>C (NM_001406807.1, NM_001406799.1, NM_001406806.1); c.3802-31A>C (NM_001406800.1); and 9 more.
Identifiers: ClinVar variation 3903516 (VCV003903516.1).

ClinVar aggregate classification (germline): Likely benign (1 of 4 stars; one submission).

Conditions:
Lynch syndrome 5 (LYNCH5). Also called: Colorectal cancer, hereditary nonpolyposis, type 5; Hereditary non-polyposis colorectal cancer, type 5. Identifiers: Orphanet 144, MedGen C1833477, MONDO:0013710, OMIM 614350. Disease mechanism: loss of function.

Submission:

Myriad Genetics, Inc.
Classification: Likely benign for Lynch syndrome 5. Last evaluated: 2025-01-08. Review status: criteria provided, single submitter. Criteria: Myriad Autosomal Dominant, Autosomal Recessive and X-Linked Classification Criteria (2023). Collection method: clinical testing. Allele origin: unknown.
Comment: This variant is considered likely benign. This variant is intronic and is not expected to impact mRNA splicing.